The following is an entry in ClinVar:

NM_003190.5(TAPBP):c.623G>A (p.Arg208His)

Gene: TAPBP (TAP binding protein; minus strand). Cytogenetic location: 6p21.32.
Variant type: single nucleotide variant.
Coding change: c.623G>A on transcript NM_003190.5 (MANE Select); coding-DNA position 623, G replaced by A.
Protein change: p.Arg208His; replaces arginine 208 with histidine.
Molecular consequence: missense variant.
Genome position (GRCh38, 1-based): chr6:33,305,234, C>T on the plus strand (G>A on the coding strand, the complement: TAPBP is on the minus strand). VCF-style: chr6-33305234-C-T. GRCh37 (hg19) VCF-style: chr6-33273011-C-T.
Other names: c.623G>A, p.Arg208His (NM_172208.3); c.362G>A, p.Arg121His (NM_172209.3); short protein forms R121H, R208H.
Identifiers: ClinVar variation 709048 (VCV000709048.13), dbSNP rs138273100, ClinGen allele CA3755840.
Genomic context (GRCh38, chr6:33,305,234, plus strand): 5'-ATCTGGCCATTCAGCCCAGGAGTTGCAGCCAGGAGCAGATGTCCCTTACCCAGGTGCTGG[C>T]GTCGCCACTCTAGCCCAAAGGGAGGGGGACCCGGAGCCAGAGATGAGGCGGCCTCGGAGG-3'
Protein context (NP_003181.3, residues 198-218): GPPPFGLEWR[Arg208His]QHLGKGHLLL

ClinVar aggregate classification (germline): Likely benign. Review status: criteria provided, multiple submitters, no conflicts (2 of 4 stars). 3 submissions from 3 submitters: Likely benign (3). Last evaluated 2026-07-07.

Conditions:
MHC class I deficiency. Identifiers: Orphanet 34592, MedGen C6024714, MONDO:0011476.
TAPBP-related disorder. Also called: TAPBP-related condition.

Allele frequency attached by ClinVar (database versions not stated): 1000 Genomes Project 30x 0.00016; 1000 Genomes Project 0.00020; gnomAD exomes 0.00024; ExAC 0.00033; ESP Exome Variant Server 0.00108; gnomAD 0.00117 and 0.00135; TOPMed 0.00133.

Submissions (3):

PreventionGenetics, part of Exact Sciences
Classification: Likely benign for TAPBP-related condition. Last evaluated: 2026-07-07. Review status: criteria provided, single submitter. Criteria: ACMG Guidelines, 2015. Collection method: clinical testing. Allele origin: germline.
Comment: This variant is classified as likely benign based on ACMG/AMP sequence variant interpretation guidelines (Richards et al. 2015 PMID: 25741868, with internal and published modifications).

Labcorp Genetics (formerly Invitae), Labcorp
Classification: Likely benign for MHC class I deficiency 1. Last evaluated: 2025-12-18. Review status: criteria provided, single submitter. Criteria: Invitae Variant Classification Sherloc (09022015). Collection method: clinical testing. Allele origin: germline.

Blueprint Genetics
Classification: Likely benign. Last evaluated: 2024-11-19. Review status: criteria provided, single submitter. Criteria: ACMG Guidelines, 2015. Collection method: clinical testing. Allele origin: germline.